The following is an entry in ClinVar:

ClinVar aggregate classification (germline): Uncertain significance (1 of 4 stars; one submission).

Conditions:
Congenital diaphragamitc hernia.

Submission:

Clinical Genetics Laboratory, Skane University Hospital Lund
Classification: Uncertain significance. Last evaluated: 2024-10-22. Review status: criteria provided, single submitter. Criteria: ACMG Guidelines, 2015. Collection method: clinical testing. Allele origin: de novo. Affected: yes.
Comment: ACMG criteria used: PM2

NM_022455.5(NSD1):c.2832T>G (p.Cys944Trp)

Gene: NSD1 (nuclear receptor binding SET domain protein 1; plus strand). Cytogenetic location: 5q35.3.
Variant type: single nucleotide variant.
Coding change: c.2832T>G on transcript NM_022455.5 (MANE Select); coding-DNA position 2832, T replaced by G.
Protein change: p.Cys944Trp; replaces cysteine 944 with tryptophan.
Molecular consequence: missense variant.
Genome position (GRCh38, 1-based): chr5:177,211,231, T>G. VCF-style: chr5-177211231-T-G. GRCh37 (hg19) VCF-style: chr5-176638232-T-G.
Other names: c.1959T>G, p.Cys653Trp (NM_001365684.2, NM_001409306.1, NM_001409307.1 and 3 more transcripts); c.2832T>G, p.Cys944Trp (NM_001409301.1, NM_001409302.1, NM_001409303.1); c.2412T>G, p.Cys804Trp (NM_001409304.1); c.2079T>G, p.Cys693Trp (NM_001409305.1); short protein forms C653W, C693W, C804W, C944W.
Identifiers: ClinVar variation 3769604 (VCV003769604.1).
Genomic context (GRCh38, chr5:177,211,231, plus strand): 5'-GCAGCGGTTGATGACTGCTCAAAACCTGGTCTCTTACCGGAGTCCTGGTCGTGGGGACTG[T>G]TCTACTAATAGTCCTGTAGGAGTCTCTAAGGTTTTGGTTTCAGGAGGCTCCACACACAAT-3'
Protein context (NP_071900.2, residues 934-954): VSYRSPGRGD[Cys944Trp]STNSPVGVSK